The following is an entry in ClinVar:

NM_016373.4(WWOX):c.107+2T>G

Gene: WWOX (WW domain containing oxidoreductase; plus strand). Cytogenetic location: 16q23.1.
Variant type: single nucleotide variant.
Coding change: c.107+2T>G on transcript NM_016373.4 (MANE Select); the canonical splice donor site of the intron after coding-DNA position 107, T replaced by G.
Molecular consequence: splice donor variant. On other transcripts: non-coding transcript variant (2).
Genome position (GRCh38, 1-based): chr16:78,099,887, T>G. VCF-style: chr16-78099887-T-G. GRCh37 (hg19) VCF-style: chr16-78133784-T-G.
Other names: c.-168+2T>G (NM_001291997.2); c.107+2T>G (NM_130791.5).
Identifiers: ClinVar variation 3753089 (VCV003753089.2).

ClinVar aggregate classification (germline): Likely pathogenic (1 of 4 stars; one submission).

Conditions:
Autosomal recessive spinocerebellar ataxia 12. Also called: SPINOCEREBELLAR ATAXIA WITH MENTAL RETARDATION AND EPILEPSY. Identifiers: Orphanet 284282, MedGen C3280452, MONDO:0013687, OMIM 614322.
Developmental and epileptic encephalopathy, 1 (DEE1). Also called: X-linked infantile spasms; West's syndrome; Tonic spasms with clustering, arrest of psychomotor development and hypsarrhythmia on EEG; X-Linked Infantile Spasm Syndrome; OHTAHARA SYNDROME, X-LINKED; INFANTILE SPASM SYNDROME, X-LINKED 1. Identifiers: MedGen C3463992, MONDO:0010632, OMIM 308350. Disease mechanism: loss of function.

gnomAD v4.1: 1 of 1,560,734 alleles (0.000064%); highest among the groups gnomAD compares: African/African-American, 0.0014%; no homozygotes.

Submission:

Labcorp Genetics (formerly Invitae), Labcorp
Classification: Likely pathogenic for Developmental and epileptic encephalopathy, 1; Autosomal recessive spinocerebellar ataxia 12. Last evaluated: 2024-12-22. Review status: criteria provided, single submitter. Criteria: Invitae Variant Classification Sherloc (09022015). Collection method: clinical testing. Allele origin: germline.
Comment: This sequence change affects a donor splice site in intron 1 of the WWOX gene. It is expected to disrupt RNA splicing. Variants that disrupt the donor or acceptor splice site typically lead to a loss of protein function (PMID: 16199547), and loss-of-function variants in WWOX are known to be pathogenic (PMID: 24456803, 25411445). This variant is not present in population databases (gnomAD no frequency). This variant has not been reported in the literature in individuals affected with WWOX-related conditions. Algorithms developed to predict the effect of sequence changes on RNA splicing suggest that this variant may disrupt the consensus splice site. In summary, the currently available evidence indicates that the variant is pathogenic, but additional data are needed to prove that conclusively. Therefore, this variant has been classified as Likely Pathogenic.

Literature cited by the submitters: PubMed 16199547; PubMed 24456803; PubMed 25411445.